The following is an entry in ClinVar:

NM_000444.6(PHEX):c.197T>A (p.Ile66Asn)

Gene: PHEX (phosphate regulating endopeptidase X-linked; plus strand). Cytogenetic location: Xp22.11.
Variant type: single nucleotide variant.
Coding change: c.197T>A on transcript NM_000444.6 (MANE Select); coding-DNA position 197, T replaced by A.
Protein change: p.Ile66Asn; replaces isoleucine 66 with asparagine.
Molecular consequence: missense variant.
Genome position (GRCh38, 1-based): chrX:22,047,059, T>A. VCF-style: chrX-22047059-T-A. GRCh37 (hg19) VCF-style: chrX-22065177-T-A.
Other names: c.197T>A, p.Ile66Asn (NM_001282754.2); short protein forms I66N.
Identifiers: ClinVar variation 3653151 (VCV003653151.2).

ClinVar aggregate classification (germline): Uncertain significance (1 of 4 stars; one submission).

Submission:

Labcorp Genetics (formerly Invitae), Labcorp
Classification: Uncertain significance. Last evaluated: 2024-05-12. Review status: criteria provided, single submitter. Criteria: Invitae Variant Classification Sherloc (09022015). Collection method: clinical testing. Allele origin: germline.
Comment: This sequence change replaces isoleucine, which is neutral and non-polar, with asparagine, which is neutral and polar, at codon 66 of the PHEX protein (p.Ile66Asn). This variant is not present in population databases (gnomAD no frequency). This missense change has been observed in individual(s) with clinical features of hypophosphatemic rickets (Invitae). Advanced modeling of protein sequence and biophysical properties (such as structural, functional, and spatial information, amino acid conservation, physicochemical variation, residue mobility, and thermodynamic stability) performed at Invitae indicates that this missense variant is expected to disrupt PHEX protein function with a positive predictive value of 80%. In summary, the available evidence is currently insufficient to determine the role of this variant in disease. Therefore, it has been classified as a Variant of Uncertain Significance.